The following is an entry in ClinVar:

NM_001081.4(CUBN):c.4460_4464del (p.Arg1487fs)

Gene: CUBN (cubilin; minus strand). Cytogenetic location: 10p13.
Variant type: Deletion.
Coding change: c.4460_4464del on transcript NM_001081.4 (MANE Select); coding-DNA positions 4460 to 4464, 5 bases deleted (GATTC; older notation c.4460_4464delGATTC).
Protein change: p.Arg1487fs; shifts the reading frame from arginine 1487.
Molecular consequence: frameshift variant.
Genome position (GRCh38, 1-based): chr10:16,984,166-16,984,170, GAATC deleted on the plus strand (GATTC on the coding strand, the reverse complement: CUBN is on the minus strand); deleting any 5 consecutive bases within chr10:16,984,166-16,984,174 gives the same sequence; the c. name uses the placement nearest the transcript's 3' end. VCF-style (leftmost placement, unchanged base first): chr10-16984165-TGAATC-T. GRCh37 (hg19) VCF-style: chr10-17026164-TGAATC-T.
Other names: c.4460_4464del (NM_001081.3); short protein forms R1487fs.
Identifiers: ClinVar variation 667368 (VCV000667368.11), dbSNP rs770921101, ClinGen allele CA5424379.

ClinVar aggregate classification (germline): Pathogenic/Likely pathogenic. Review status: criteria provided, multiple submitters, no conflicts (2 of 4 stars). 4 submissions from 4 submitters: Pathogenic (2); Likely pathogenic (2). Last evaluated 2023-01-16.

Conditions:
Proteinuria, chronic benign. Identifiers: MedGen C5394384, MONDO:0030042, OMIM 618884.
Imerslund-Grasbeck syndrome type 1 (IGS1). Also called: Megaloblastic anemia 1, Finnish type; MEGALOBLASTIC ANEMIA, 1; Imerslund-Gräsbeck syndrome 1. Identifiers: MedGen C4016819, MONDO:0100156, OMIM 261100.
Imerslund-Grasbeck syndrome. Also called: ENTEROCYTE COBALAMIN MALABSORPTION; ENTEROCYTE INTRINSIC FACTOR RECEPTOR, DEFECT OF; Megaloblastic anemia due to inborn errors of metabolism; Imerslund-Gräsbeck syndrome; PERNICIOUS ANEMIA, JUVENILE, DUE TO SELECTIVE INTESTINAL MALABSORPTION OF VITAMIN B12, WITH PROTEINURIA. Identifiers: Orphanet 35858, MedGen C4551825, MONDO:0009853.
CUBN-related disorders.

Submissions (4):

Blueprint Genetics
Classification: Likely pathogenic for CUBN-related disorders. Last evaluated: 2023-01-16. Review status: criteria provided, single submitter. Criteria: ACMG Guidelines, 2015. Collection method: clinical testing. Allele origin: germline. Affected: yes. Observed: 1 variant allele.

Fulgent Genetics
Classification: Pathogenic for Imerslund-Grasbeck syndrome type 1; Proteinuria, chronic benign. Last evaluated: 2021-06-30. Review status: criteria provided, single submitter. Criteria: ACMG Guidelines, 2015. Collection method: clinical testing. Allele origin: unknown.
Comment: This variant has been detected in individual(s) who were sent for testing of Renasight - kidney gene panel.

Revvity Omics, Revvity
Classification: Pathogenic. Last evaluated: 2020-03-25. Review status: criteria provided, single submitter. Criteria: ACMG Guidelines, 2015. Collection method: clinical testing. Allele origin: germline.

Laboratory for Molecular Medicine, Mass General Brigham Personalized Medicine
Classification: Likely pathogenic for Imerslund-Grasbeck syndrome. Last evaluated: 2018-07-18. Review status: criteria provided, single submitter. Criteria: LMM Criteria. Collection method: clinical testing. Allele origin: germline. Inheritance: Autosomal recessive inheritance. Observed: 1 variant allele.
Comment: The p.Arg1487fs variant in CUBN has not been previously reported in individuals with Imerslund-Grasbeck syndrome or megaloblastic anemia, but has been identifie d in 7/126726 European chromosomes by the Genome Aggregation Database (gnomAD; dbSNP rs770921101). Although this variant has b een seen in the general population, its frequency is low enough to be consistent with a recessive carrier frequency. This variant is predicted to cause a frames hift, which alters the protein?s amino acid sequence beginning at position 1487 and leads to a premature termination codon 43 amino acids downstream. This alter ation is then predicted to lead to a truncated or absent protein. Loss of functi on of the CUBN gene is an established disease mechanism in autosomal recessive I merslund-Grasbeck syndrome. In summary, although additional studies are required to fully establish its clinical significance, this variant is likely pathogenic . ACMG/AMP criteria applied: PVS1, PM2